The following is an entry in ClinVar:

ClinVar aggregate classification (germline): Pathogenic. Review status: criteria provided, multiple submitters, no conflicts (2 of 4 stars). 4 submissions from 4 submitters: Pathogenic (4). Last evaluated 2023-10-04.

Conditions:
Duchenne muscular dystrophy (DMD). Also called: Duchenne Muscular Dystrophy (DMD); MUSCULAR DYSTROPHY, PSEUDOHYPERTROPHIC PROGRESSIVE, DUCHENNE TYPE. Identifiers: Orphanet 98896, MedGen C0013264, MONDO:0010679, OMIM 310200.
Dilated cardiomyopathy 3B (CMD3B). Also called: CMD3B: DMD-Related Dilated Cardiomyopathy; CARDIOMYOPATHY, DILATED, X-LINKED; DMD-Associated Dilated Cardiomyopathy. Identifiers: Orphanet 154, MedGen C3668940, MONDO:0010542, OMIM 302045.

Submissions (4):

Labcorp Genetics (formerly Invitae), Labcorp
Classification: Pathogenic for Duchenne muscular dystrophy. Last evaluated: 2023-10-04. Review status: criteria provided, single submitter. Criteria: Invitae Variant Classification Sherloc (09022015). Collection method: clinical testing. Allele origin: germline.
Comment: This sequence change affects a donor splice site in intron 69 of the DMD gene. It is expected to disrupt RNA splicing. Variants that disrupt the donor or acceptor splice site typically lead to a loss of protein function (PMID: 16199547), and loss-of-function variants in DMD are known to be pathogenic (PMID: 16770791, 25007885). This variant is not present in population databases (gnomAD no frequency). Disruption of this splice site has been observed in individual(s) with Duchenne muscular dystrophy (PMID: 7581396, 8589698, 19937601, 32194622). ClinVar contains an entry for this variant (Variation ID: 94422). Studies have shown that disruption of this splice site is associated with altered splicing resulting in multiple RNA products (PMID: 7581396, 8589698). For these reasons, this variant has been classified as Pathogenic.

Revvity Omics, Revvity
Classification: Pathogenic. Last evaluated: 2020-04-01. Review status: criteria provided, single submitter. Criteria: ACMG Guidelines, 2015. Collection method: clinical testing. Allele origin: germline.

Eurofins Ntd Llc (ga)
Classification: Pathogenic. Last evaluated: 2017-04-13. Review status: criteria provided, single submitter. Criteria: EGL Classification Definitions 2015. Collection method: clinical testing. Allele origin: germline. Observed: 2 variant alleles, 2 hemizygotes.

Centre for Mendelian Genomics, University Medical Centre Ljubljana
Classification: Pathogenic for Dilated cardiomyopathy 3B. Last evaluated: 2016-01-01. Review status: criteria provided, single submitter. Criteria: ACMG Guidelines, 2015. Collection method: clinical testing. Allele origin: unknown. Affected: yes.
Comment: This variant was classified as: Pathogenic. This variant was detected in hemizygous state.

Literature cited by the submitters: PubMed 16199547 (cited by Labcorp Genetics (formerly Invitae), Labcorp); PubMed 16770791 (cited by Labcorp Genetics (formerly Invitae), Labcorp); PubMed 25007885 (cited by Labcorp Genetics (formerly Invitae), Labcorp); PubMed 7581396 (cited by Labcorp Genetics (formerly Invitae), Labcorp); PubMed 8589698 (cited by Labcorp Genetics (formerly Invitae), Labcorp and Eurofins Ntd Llc (ga)); PubMed 19937601 (cited by Labcorp Genetics (formerly Invitae), Labcorp); PubMed 32194622 (cited by Labcorp Genetics (formerly Invitae), Labcorp).

NM_004006.3(DMD):c.10086+1G>A

Gene: DMD (dystrophin; minus strand). Cytogenetic location: Xp21.2.
Variant type: single nucleotide variant.
Coding change: c.10086+1G>A on transcript NM_004006.3 (MANE Select); the canonical splice donor site of the intron after coding-DNA position 10086, G replaced by A.
Molecular consequence: splice donor variant.
Genome position (GRCh38, 1-based): chrX:31,180,369, C>T on the plus strand (G>A on the coding strand, the complement: DMD is on the minus strand). VCF-style: chrX-31180369-C-T. GRCh37 (hg19) VCF-style: chrX-31198486-C-T.
Other names: c.10062+1G>A (NM_000109.4); c.6063+1G>A (NM_004011.4); c.6054+1G>A (NM_004012.4); c.2706+1G>A (NM_004023.3, NM_004020.4, NM_004022.3 and 2 more transcripts); c.1899+1G>A (NM_004014.3); c.882+1G>A (NM_004018.3, NM_004017.3, NM_004016.3 and 2 more transcripts); c.10074+1G>A (NM_004009.3); c.9717+1G>A (NM_004010.3).
Identifiers: ClinVar variation 94422 (VCV000094422.15), dbSNP rs398123828, ClinGen allele CA266854.
Genomic context (GRCh38, chrX:31,180,369, plus strand): 5'-TACAAAACTGAAATTTATCCCAGGTGAACTAACTCTCACGTCAGGCTGGCGTCAAACTTA[C>T]CGGAGTGCAATATTCCACCATGGGATAGTGCATTTTATGGCCTTTTGCAACTCGACCAGA-3'